The following is an entry in ClinVar:

ClinVar aggregate classification (germline): Likely pathogenic (1 of 4 stars; one submission).

Conditions:
Developmental and epileptic encephalopathy, 5 (DEE5). Identifiers: Orphanet 3451, MedGen C3150731, MONDO:0013277, OMIM 613477.

Submission:

3billion
Classification: Likely pathogenic for Developmental and epileptic encephalopathy, 5. Last evaluated: 2023-10-18. Review status: criteria provided, single submitter. Criteria: ACMG Guidelines, 2015. Collection method: clinical testing. Allele origin: germline. Affected: yes.
Comment: The variant is not observed in the gnomAD v2.1.1 dataset. Predicted Consequence/Location: Frameshift: predicted to result in a loss or disruption of normal protein function through nonsense-mediated decay (NMD) or protein truncation. Multiple pathogenic variants are reported downstream of the variant. Therefore, this variant is classified as Likely pathogenic according to the recommendation of ACMG/AMP guideline.

NM_001130438.3(SPTAN1):c.3601dup (p.Thr1201fs)

Gene: SPTAN1 (spectrin alpha, non-erythrocytic 1; plus strand). Cytogenetic location: 9q34.11.
Variant type: Duplication.
Coding change: c.3601dup on transcript NM_001130438.3 (MANE Select); coding-DNA position 3601, one base duplicated (A; older notation c.3601dupA).
Protein change: p.Thr1201fs; shifts the reading frame from threonine 1201.
Molecular consequence: frameshift variant.
Genome position (GRCh38, 1-based): chr9:128,603,564, A duplicated. VCF-style (leftmost placement, unchanged base first): chr9-128603563-C-CA. GRCh37 (hg19) VCF-style: chr9-131365842-C-CA.
Other names: c.3541dup, p.Thr1181fs (NM_001195532.2, NM_001363765.2, NM_001375314.2); c.3601dup, p.Thr1201fs (NM_001363759.2, NM_001375310.1, NM_001375311.2 and 2 more transcripts); c.3637dup, p.Thr1213fs (NM_001375312.2, NM_001375318.1); short protein forms T1181fs, T1201fs, T1213fs.
Identifiers: ClinVar variation 3776197 (VCV003776197.1).